The following is an entry in ClinVar:

ClinVar aggregate classification (germline): Likely benign. Review status: criteria provided, single submitter (1 of 4 stars). 2 submissions from 2 submitters: Likely benign (1). 1 of the submissions does not count toward it. Last evaluated 2025-12-10.

Conditions:
PKD1L1-related disorder. Also called: PKD1L1-related condition.

Allele frequency attached by ClinVar (database versions not stated): gnomAD exomes 0.00006; ExAC 0.00014; 1000 Genomes Project 0.00040; 1000 Genomes Project 30x 0.00047; TOPMed 0.00050; gnomAD 0.00051; ESP Exome Variant Server 0.00062.
gnomAD v4.1: 175 of 1,614,188 alleles (0.011%); highest among the groups gnomAD compares: African/African-American, 0.19%; 1 homozygote.

Submissions (2):

Labcorp Genetics (formerly Invitae), Labcorp
Classification: Likely benign. Last evaluated: 2025-12-10. Review status: criteria provided, single submitter. Criteria: Invitae Variant Classification Sherloc (09022015). Collection method: clinical testing. Allele origin: germline.

PreventionGenetics, part of Exact Sciences
Classification: Likely benign for PKD1L1-related condition. Last evaluated: 2019-03-21. Review status: no assertion criteria provided. Collection method: clinical testing. Allele origin: germline. Not counted in ClinVar's aggregate classification.
Comment: This variant is classified as likely benign based on ACMG/AMP sequence variant interpretation guidelines (Richards et al. 2015 PMID: 25741868, with internal and published modifications).

NM_138295.5(PKD1L1):c.5862G>A (p.Thr1954=)

Gene: PKD1L1 (polycystin 1 like 1, transient receptor potential channel interacting; minus strand). Cytogenetic location: 7p12.3.
Variant type: single nucleotide variant.
Coding change: c.5862G>A on transcript NM_138295.5 (MANE Select); coding-DNA position 5862, G replaced by A.
Protein change: p.Thr1954=; no amino-acid change (threonine 1954 retained).
Molecular consequence: synonymous variant.
Genome position (GRCh38, 1-based): chr7:47,837,002, C>T on the plus strand (G>A on the coding strand, the complement: PKD1L1 is on the minus strand). VCF-style: chr7-47837002-C-T. GRCh37 (hg19) VCF-style: chr7-47876600-C-T.
Other names: c.5862G>A (NM_138295.3).
Identifiers: ClinVar variation 2062906 (VCV002062906.6), dbSNP rs148631970, ClinGen allele CA4252700.
Genomic context (GRCh38, chr7:47,837,002, plus strand): 5'-AACCAGGGCAGTGAGACACGCGTAGACGCACAGCAGGGAGAAGGACACGGTGAGGCGCGG[C>T]GTGTGCAGGTAGCGGCTGGAGGAGGGCCTGCTGTACACCGACAGCCAGACATGGAAATCC-3'
Protein context (NP_612152.1, residues 1944-1964): SRPSSSRYLH[Thr1954=]PRLTVSFSLL